The following is an entry in ClinVar:

NM_001378778.1(MPDZ):c.4531T>G (p.Leu1511Val)

Gene: MPDZ (multiple PDZ domain crumbs cell polarity complex component; minus strand). Cytogenetic location: 9p23.
Variant type: single nucleotide variant.
Coding change: c.4531T>G on transcript NM_001378778.1 (MANE Select); coding-DNA position 4531, T replaced by G.
Protein change: p.Leu1511Val; replaces leucine 1511 with valine.
Molecular consequence: missense variant.
Genome position (GRCh38, 1-based): chr9:13,126,706, A>C on the plus strand (T>G on the coding strand, the complement: MPDZ is on the minus strand). VCF-style: chr9-13126706-A-C. GRCh37 (hg19) VCF-style: chr9-13126705-A-C.
Other names: c.4432T>G, p.Leu1478Val (NM_001261406.2, NM_001261407.2, NM_001375416.1 and 3 more transcripts); c.4531T>G, p.Leu1511Val (NM_001330637.2, NM_003829.5); c.4630T>G, p.Leu1544Val (NM_001375413.1); c.4321T>G, p.Leu1441Val (NM_001375420.1, NM_001375421.1, NM_001375422.1 and 4 more transcripts); c.4123T>G, p.Leu1375Val (NM_001375427.1); short protein forms L1375V, L1441V, L1511V, L1544V, L1478V.
Identifiers: ClinVar variation 1914115 (VCV001914115.5), dbSNP rs2488829162, ClinGen allele CA372947102.

ClinVar aggregate classification (germline): Uncertain significance (1 of 4 stars; one submission).

Submission:

Labcorp Genetics (formerly Invitae), Labcorp
Classification: Uncertain significance. Last evaluated: 2022-09-13. Review status: criteria provided, single submitter. Criteria: Invitae Variant Classification Sherloc (09022015). Collection method: clinical testing. Allele origin: germline.
Comment: In summary, the available evidence is currently insufficient to determine the role of this variant in disease. Therefore, it has been classified as a Variant of Uncertain Significance. Algorithms developed to predict the effect of missense changes on protein structure and function are either unavailable or do not agree on the potential impact of this missense change (SIFT: "Deleterious"; PolyPhen-2: "Benign"; Align-GVGD: "Class C25"). This variant has not been reported in the literature in individuals affected with MPDZ-related conditions. This variant is not present in population databases (gnomAD no frequency). This sequence change replaces leucine, which is neutral and non-polar, with valine, which is neutral and non-polar, at codon 1511 of the MPDZ protein (p.Leu1511Val).